The following is an entry in ClinVar:

ClinVar aggregate classification (germline): Uncertain significance (1 of 4 stars; one submission).

Allele frequency attached by ClinVar (database versions not stated): gnomAD exomes below 0.00001; ExAC 0.00001; gnomAD 0.00002; TOPMed 0.00002; ESP Exome Variant Server 0.00008.
gnomAD v4.1: 6 of 1,592,286 alleles (0.00038%); highest among the groups gnomAD compares: African/African-American, 0.0067%; no homozygotes.

Submission:

GeneDx
Classification: Uncertain significance. Last evaluated: 2022-12-14. Review status: criteria provided, single submitter. Criteria: GeneDx Variant Classification Process June 2021. Collection method: clinical testing. Allele origin: germline. Affected: yes.
Comment: Has not been previously published as pathogenic or benign to our knowledge; Not observed at significant frequency in large population cohorts (gnomAD); In silico analysis supports that this missense variant does not alter protein structure/function

NM_001018116.2(CAVIN4):c.913C>T (p.Pro305Ser)

Gene: CAVIN4 (caveolae associated protein 4; plus strand). Cytogenetic location: 9q31.1.
Variant type: single nucleotide variant.
Coding change: c.913C>T on transcript NM_001018116.2 (MANE Select); coding-DNA position 913, C replaced by T.
Protein change: p.Pro305Ser; replaces proline 305 with serine.
Molecular consequence: missense variant.
Genome position (GRCh38, 1-based): chr9:100,586,269, C>T. VCF-style: chr9-100586269-C-T. GRCh37 (hg19) VCF-style: chr9-103348551-C-T.
Other names: short protein forms P305S.
Identifiers: ClinVar variation 2505958 (VCV002505958.1), dbSNP rs148950537, ClinGen allele CA5160188.
Genomic context (GRCh38, chr9:100,586,269, plus strand): 5'-GGTGAGGAATGTGCCAGGGAGATGGGTGTGGACATCATTGCCAGGAGCGAGTCTCTGGGC[C>T]CCATCAGTGAGCTCTACTCTGATGAGCTCAGTGAACCAGAACACGAGGCAGCCAGGCCGG-3'
Protein context (NP_001018126.1, residues 295-315): DIIARSESLG[Pro305Ser]ISELYSDELS